The following is an entry in ClinVar:

ClinVar aggregate classification (germline): Uncertain significance (1 of 4 stars; one submission).

Allele frequency attached by ClinVar (database versions not stated): gnomAD 0.00001; gnomAD exomes 0.00001 and 0.00002; ExAC 0.00002; 1000 Genomes Project 30x 0.00016; 1000 Genomes Project 0.00020.
gnomAD v4.1: 4 of 1,614,102 alleles (0.00025%); highest among the groups gnomAD compares: Admixed American, 0.005%; no homozygotes.

Submission:

Labcorp Genetics (formerly Invitae), Labcorp
Classification: Uncertain significance. Last evaluated: 2022-08-16. Review status: criteria provided, single submitter. Criteria: Invitae Variant Classification Sherloc (09022015). Collection method: clinical testing. Allele origin: germline.
Comment: In summary, the available evidence is currently insufficient to determine the role of this variant in disease. Therefore, it has been classified as a Variant of Uncertain Significance. Advanced modeling of protein sequence and biophysical properties (such as structural, functional, and spatial information, amino acid conservation, physicochemical variation, residue mobility, and thermodynamic stability) performed at Invitae indicates that this missense variant is not expected to disrupt COL9A1 protein function. ClinVar contains an entry for this variant (Variation ID: 1500417). This variant has not been reported in the literature in individuals affected with COL9A1-related conditions. This variant is present in population databases (rs551707191, gnomAD 0.009%). This sequence change replaces isoleucine, which is neutral and non-polar, with threonine, which is neutral and polar, at codon 214 of the COL9A1 protein (p.Ile214Thr).

NM_001851.6(COL9A1):c.641T>C (p.Ile214Thr)

Gene: COL9A1 (collagen type IX alpha 1 chain; minus strand). Cytogenetic location: 6q13.
Variant type: single nucleotide variant.
Coding change: c.641T>C on transcript NM_001851.6 (MANE Select); coding-DNA position 641, T replaced by C.
Protein change: p.Ile214Thr; replaces isoleucine 214 with threonine.
Molecular consequence: missense variant.
Genome position (GRCh38, 1-based): chr6:70,294,222, A>G on the plus strand (T>C on the coding strand, the complement: COL9A1 is on the minus strand). VCF-style: chr6-70294222-A-G. GRCh37 (hg19) VCF-style: chr6-71003925-A-G.
Other names: c.641T>C, p.Ile214Thr (NM_001377291.1); short protein forms I214T.
Identifiers: ClinVar variation 1500417 (VCV001500417.5), dbSNP rs551707191, ClinGen allele CA3882764.
Genomic context (GRCh38, chr6:70,294,222, plus strand): 5'-CTTACTGGAACAGAAACTTGAGGATTATCTGCAAGTTTTCCCAGCACAGCAAAGCCATCA[A>G]TGTCAATTGGGCCTCTTGGCTTTATAGGTAAAGATTCAATCCTGTTGCAGTCAACAAAAA-3'
Protein context (NP_001842.3, residues 204-224): LPIKPRGPID[Ile214Thr]DGFAVLGKLA